The following is an entry in ClinVar:

ClinVar aggregate classification (germline): Uncertain significance (1 of 4 stars; one submission).

Conditions:
PLXNA4-related disorder. Also called: PLXNA4-related condition.

gnomAD v4.1: 1 of 1,613,912 alleles (0.000062%); highest among the groups gnomAD compares: African/African-American, 0.0013%; no homozygotes.

Submission:

PreventionGenetics, part of Exact Sciences
Classification: Uncertain significance for PLXNA4-related condition. Last evaluated: 2024-10-31. Review status: criteria provided, single submitter. Criteria: ACMG Guidelines, 2015. Collection method: clinical testing. Allele origin: germline.
Comment: The PLXNA4 c.1709T>C variant is predicted to result in the amino acid substitution p.Val570Ala. To our knowledge, this variant has not been reported in the literature or in a large population database (gnomAD), indicating this variant is rare. At this time, the clinical significance of this variant is uncertain due to the absence of conclusive functional and genetic evidence.

NM_020911.2(PLXNA4):c.1709T>C (p.Val570Ala)

Gene: PLXNA4 (plexin A4; minus strand). Cytogenetic location: 7q32.3.
Variant type: single nucleotide variant.
Coding change: c.1709T>C on transcript NM_020911.2 (MANE Select); coding-DNA position 1709, T replaced by C.
Protein change: p.Val570Ala; replaces valine 570 with alanine.
Molecular consequence: missense variant.
Genome position (GRCh38, 1-based): chr7:132,228,365, A>G on the plus strand (T>C on the coding strand, the complement: PLXNA4 is on the minus strand). VCF-style: chr7-132228365-A-G. GRCh37 (hg19) VCF-style: chr7-131913124-A-G.
Other names: c.1709T>C, p.Val570Ala (NM_001393897.1); short protein forms V570A.
Identifiers: ClinVar variation 4998300 (VCV004998300.1).